The following is an entry in ClinVar:

NM_002519.3(NPAT):c.3261C>G (p.Asn1087Lys)

Gene: NPAT (nuclear protein, coactivator of histone transcription; minus strand). Cytogenetic location: 11q22.3.
Variant type: single nucleotide variant.
Coding change: c.3261C>G on transcript NM_002519.3 (MANE Select); coding-DNA position 3261, C replaced by G.
Protein change: p.Asn1087Lys; replaces asparagine 1087 with lysine.
Molecular consequence: missense variant.
Genome position (GRCh38, 1-based): chr11:108,161,825, G>C on the plus strand (C>G on the coding strand, the complement: NPAT is on the minus strand). VCF-style: chr11-108161825-G-C. GRCh37 (hg19) VCF-style: chr11-108032552-G-C.
Other names: c.3282C>G, p.Asn1094Lys (NM_001321307.1); short protein forms N1087K, N1094K.
Identifiers: ClinVar variation 3222582 (VCV003222582.1), dbSNP rs2496696754, ClinGen allele CA382511194.
Genomic context (GRCh38, chr11:108,161,825, plus strand): 5'-TAAGGTGGAGGACACATTGGGTGAGTCAAGATTAGGAAAAGAGACTGCATTCCTTTCTTT[G>C]TTTTGGGACACCATCTTATGGTTTGGCCCCTGCGTATTTGCCACAGGAGCAGTAGTGCTG-3'
Protein context (NP_002510.2, residues 1077-1097): QGPNHKMVSQ[Asn1087Lys]KERNAVSFPN

ClinVar aggregate classification (germline): Uncertain significance (1 of 4 stars; one submission).

Submission:

Ambry Genetics
Classification: Uncertain significance. Last evaluated: 2023-11-29. Review status: criteria provided, single submitter. Criteria: Ambry Variant Classification Scheme 2023. Collection method: clinical testing. Allele origin: germline.
Comment: The p.N1087K variant (also known as c.3261C>G), located in coding exon 17 of the NPAT gene, results from a C to G substitution at nucleotide position 3261. The asparagine at codon 1087 is replaced by lysine, an amino acid with similar properties. This amino acid position is conserved. In addition, this alteration is predicted to be tolerated by in silico analysis. Since supporting evidence is limited at this time, the clinical significance of this alteration remains unclear.